The following is an entry in ClinVar:

NM_001130438.3(SPTAN1):c.840dup (p.Asp281Ter)

Gene: SPTAN1 (spectrin alpha, non-erythrocytic 1; plus strand). Cytogenetic location: 9q34.11.
Variant type: Duplication.
Coding change: c.840dup on transcript NM_001130438.3 (MANE Select); coding-DNA position 840, one base duplicated (T; older notation c.840dupT).
Protein change: p.Asp281Ter; replaces aspartic acid 281 with a stop codon.
Molecular consequence: nonsense.
Genome position (GRCh38, 1-based): chr9:128,577,183, T duplicated. VCF-style (leftmost placement, unchanged base first): chr9-128577182-C-CT. GRCh37 (hg19) VCF-style: chr9-131339461-C-CT.
Other names: c.840dup, p.Asp281Ter (NM_001195532.2, NM_001363759.2, NM_001363765.2 and 5 more transcripts); c.876dup, p.Asp293Ter (NM_001375312.2, NM_001375318.1); short protein forms D281*, D293*.
Identifiers: ClinVar variation 1331519 (VCV001331519.6), dbSNP rs2131011877, ClinGen allele CA2573053107.

ClinVar aggregate classification (germline): Likely pathogenic (1 of 4 stars; one submission).

Conditions:
Developmental and epileptic encephalopathy, 5 (DEE5). Identifiers: Orphanet 3451, MedGen C3150731, MONDO:0013277, OMIM 613477.

Submission:

Greenwood Genetic Center Diagnostic Laboratories, Greenwood Genetic Center
Classification: Likely pathogenic for Developmental and epileptic encephalopathy, 5. Last evaluated: 2021-08-09. Review status: criteria provided, single submitter. Criteria: ACMG Guidelines, 2015. Collection method: clinical testing. Allele origin: germline. Affected: yes.
Comment: PVS1, PM2